The following is an entry in ClinVar:

NM_020975.6(RET):c.1010_1017del (p.Glu337fs)

Gene: RET (ret proto-oncogene; plus strand). Cytogenetic location: 10q11.21.
Variant type: Deletion.
Coding change: c.1010_1017del on transcript NM_020975.6 (MANE Select); coding-DNA positions 1010 to 1017, 8 bases deleted (AGACCTCG; older notation c.1010_1017delAGACCTCG).
Protein change: p.Glu337fs; shifts the reading frame from glutamic acid 337.
Molecular consequence: frameshift variant.
Genome position (GRCh38, 1-based): chr10:43,106,518-43,106,525, AGACCTCG deleted; deleting any 8 consecutive bases within chr10:43,106,516-43,106,525 gives the same sequence; the c. name uses the placement nearest the transcript's 3' end. VCF-style (leftmost placement, unchanged base first): chr10-43106515-ACGAGACCT-A. GRCh37 (hg19) VCF-style: chr10-43601963-ACGAGACCT-A.
Other names: c.1010_1017delAGACCTCG, p.Glu337Glyfs (NM_000323.2, NM_001406743.1, NM_001406744.1 and 6 more transcripts); c.248_255delAGACCTCG, p.Glu83Glyfs (NM_001355216.2); c.881_888delAGACCTCG, p.Glu294Glyfs (NM_001406761.1, NM_001406762.1, NM_001406764.1 and 1 more transcripts); c.722_729delAGACCTCG, p.Glu241Glyfs (NM_001406766.1, NM_001406767.1, NM_001406770.1); short protein forms E83fs, E337fs.
Identifiers: ClinVar variation 1798724 (VCV001798724.3), dbSNP rs2538404853, ClinGen allele CA2580081465.

ClinVar aggregate classification (germline): Pathogenic/Likely pathogenic. Review status: criteria provided, multiple submitters, no conflicts (2 of 4 stars). 2 submissions from 2 submitters: Pathogenic (1); Likely pathogenic (1). Last evaluated 2022-04-28.

Conditions:
RET-related disorder. Also called: RET-related disorders; RET-related condition; RET-related disease.
Hereditary cancer-predisposing syndrome. Also called: Hereditary neoplastic syndrome; Neoplastic Syndromes, Hereditary; Tumor predisposition; Hereditary Cancer Syndrome. Identifiers: Orphanet 140162, MedGen C0027672, MeSH D009386, MONDO:0015356.

Submissions (2):

Ambry Genetics
Classification: Pathogenic for Hereditary cancer-predisposing syndrome. Last evaluated: 2022-04-28. Review status: criteria provided, single submitter. Criteria: Ambry Variant Classification Scheme 2023. Collection method: clinical testing. Allele origin: germline.
Comment: The c.1010_1017delAGACCTCG pathogenic mutation, located in coding exon 5 of the RET gene, results from a deletion of 8 nucleotides at nucleotide positions 1010 to 1017, causing a translational frameshift with a predicted alternate stop codon (p.E337Gfs*14). This alteration is expected to result in loss of function by premature protein truncation or nonsense-mediated mRNA decay. Loss-of-function variants in RET are known to cause Hirschsprung disease; however, such associations with Multiple Endocrine Neoplasia Type-2 (MEN2) have not been observed (Amiel J and Lyonnet S. J Med Genet. 2001 Nov;38(11):729-39; Wagner SM et al. Clinics (Sao Paulo). 2012;67 Suppl 1(Suppl 1):77-84). Based on the supporting evidence, this alteration is pathogenic for Hirschsprung disease; however, the association of this alteration with MEN2 is unlikely.

Blueprint Genetics
Classification: Likely pathogenic for RET-related disorders. Last evaluated: 2019-09-09. Review status: criteria provided, single submitter. Criteria: ACMG Guidelines, 2015. Collection method: clinical testing. Allele origin: germline. Affected: yes. Observed: 2 variant alleles.